The following is an entry in ClinVar:

NM_177438.3(DICER1):c.1907+4T>C

Gene: DICER1 (dicer 1, ribonuclease III; minus strand). Cytogenetic location: 14q32.13.
Variant type: single nucleotide variant.
Coding change: c.1907+4T>C on transcript NM_177438.3 (MANE Select); 4 bases into the intron after coding-DNA position 1907, T replaced by C.
Molecular consequence: intron variant.
Genome position (GRCh38, 1-based): chr14:95,115,663, A>G on the plus strand (T>C on the coding strand, the complement: DICER1 is on the minus strand). VCF-style: chr14-95115663-A-G. GRCh37 (hg19) VCF-style: chr14-95582000-A-G.
Other names: c.1907+4T>C (NM_177438.2, NM_001291628.2, NM_030621.4 and 13 more transcripts); c.1502+4T>C (NM_001395690.1, NM_001395687.1, NM_001395689.1 and 3 more transcripts); c.1625+4T>C (NM_001395686.1); c.1340+4T>C (NM_001395691.1); c.224+4T>C (NM_001395697.1).
Identifiers: ClinVar variation 2112051 (VCV002112051.5), dbSNP rs2543001376, ClinGen allele CA2580089008.
Genomic context (GRCh38, chr14:95,115,663, plus strand): 5'-ACAGGTTTAGACTTAAACTGTGCAACATTCCCAGGTTTTCCACACAAATGATATGATGCC[A>G]TACCTATTGATGTGTCCAATGGCCGTGTTGATTGTGACTCGTGGACCACCATCGTCAGGC-3'

ClinVar aggregate classification (germline): Conflicting classifications of pathogenicity. Review status: criteria provided, conflicting classifications (1 of 4 stars). 2 submissions from 2 submitters: Uncertain significance (1); Likely benign (1). Last evaluated 2023-12-07.

Conditions:
DICER1-related tumor predisposition. Also called: DICER1 syndrome; DICER1-related pleuropulmonary blastoma cancer predisposition syndrome. Identifiers: Orphanet 284343, MedGen C3839822, MONDO:0100216.
Hereditary cancer-predisposing syndrome. Also called: Tumor predisposition; Hereditary Cancer Syndrome; Neoplastic Syndromes, Hereditary; Hereditary neoplastic syndrome. Identifiers: Orphanet 140162, MedGen C0027672, MeSH D009386, MONDO:0015356.

Submissions (2):

Ambry Genetics
Classification: Uncertain significance for Hereditary cancer-predisposing syndrome. Last evaluated: 2023-12-07. Review status: criteria provided, single submitter. Criteria: Ambry Variant Classification Scheme 2023. Collection method: clinical testing. Allele origin: germline.
Comment: The c.1907+4T>C intronic variant results from a T to C substitution 4 nucleotides after coding exon 10 in the DICER1 gene. This nucleotide position is not well conserved in available vertebrate species. In silico splice site analysis predicts that this alteration will not have any significant effect on splicing. Since supporting evidence is limited at this time, the clinical significance of this alteration remains unclear.

Labcorp Genetics (formerly Invitae), Labcorp
Classification: Likely benign for DICER1-related tumor predisposition. Last evaluated: 2022-03-21. Review status: criteria provided, single submitter. Criteria: Invitae Variant Classification Sherloc (09022015). Collection method: clinical testing. Allele origin: germline.